The following is an entry in ClinVar:

ClinVar aggregate classification (germline): Uncertain significance. Review status: criteria provided, multiple submitters, no conflicts (2 of 4 stars). 2 submissions from 2 submitters: Uncertain significance (2). Last evaluated 2024-02-20.

Conditions:
Tuberous sclerosis 2 (TSC2). Identifiers: Orphanet 805, MedGen C1860707, MONDO:0013199, OMIM 613254.
Hereditary cancer-predisposing syndrome. Also called: Hereditary neoplastic syndrome; Tumor predisposition; Neoplastic Syndromes, Hereditary; Hereditary Cancer Syndrome. Identifiers: Orphanet 140162, MedGen C0027672, MeSH D009386, MONDO:0015356.

Submissions (2):

Labcorp Genetics (formerly Invitae), Labcorp
Classification: Uncertain significance for Tuberous sclerosis 2. Last evaluated: 2024-02-20. Review status: criteria provided, single submitter. Criteria: Invitae Variant Classification Sherloc (09022015). Collection method: clinical testing. Allele origin: germline.
Comment: This sequence change replaces serine, which is neutral and polar, with alanine, which is neutral and non-polar, at codon 1094 of the TSC2 protein (p.Ser1094Ala). This variant is not present in population databases (gnomAD no frequency). This variant has not been reported in the literature in individuals affected with TSC2-related conditions. ClinVar contains an entry for this variant (Variation ID: 2450005). Advanced modeling of protein sequence and biophysical properties (such as structural, functional, and spatial information, amino acid conservation, physicochemical variation, residue mobility, and thermodynamic stability) performed at Invitae indicates that this missense variant is not expected to disrupt TSC2 protein function with a negative predictive value of 95%. In summary, the available evidence is currently insufficient to determine the role of this variant in disease. Therefore, it has been classified as a Variant of Uncertain Significance.

Ambry Genetics
Classification: Uncertain significance for Hereditary cancer-predisposing syndrome. Last evaluated: 2023-03-05. Review status: criteria provided, single submitter. Criteria: Ambry Variant Classification Scheme 2023. Collection method: clinical testing. Allele origin: germline.
Comment: The p.S1094A variant (also known as c.3280T>G), located in coding exon 27 of the TSC2 gene, results from a T to G substitution at nucleotide position 3280. The serine at codon 1094 is replaced by alanine, an amino acid with similar properties. This amino acid position is conserved. In addition, the in silico prediction for this alteration is inconclusive. Since supporting evidence is limited at this time, the clinical significance of this alteration remains unclear.

NM_000548.5(TSC2):c.3280T>G (p.Ser1094Ala)

Gene: TSC2 (TSC complex subunit 2; plus strand). Cytogenetic location: 16p13.3.
Variant type: single nucleotide variant.
Coding change: c.3280T>G on transcript NM_000548.5 (MANE Select); coding-DNA position 3280, T replaced by G.
Protein change: p.Ser1094Ala; replaces serine 1094 with alanine.
Molecular consequence: missense variant. On other transcripts: non-coding transcript variant (5).
Genome position (GRCh38, 1-based): chr16:2,079,424, T>G. VCF-style: chr16-2079424-T-G. GRCh37 (hg19) VCF-style: chr16-2129425-T-G.
Other names: c.3040T>G, p.Ser1014Ala (NM_001318827.2); c.3004T>G, p.Ser1002Ala (NM_001318829.2); c.2548T>G, p.Ser850Ala (NM_001318831.2, NM_001406687.1, NM_001406688.1); c.3181T>G, p.Ser1061Ala (NM_001318832.2); c.3148T>G, p.Ser1050Ala (NM_001077183.3, NM_001370404.1, NM_001406665.1); c.3280T>G, p.Ser1094Ala (NM_001114382.3); c.3151T>G, p.Ser1051Ala (NM_001363528.2, NM_001370405.1, NM_021055.3); c.3277T>G, p.Ser1093Ala (NM_001406663.1, NM_001406664.1); and 18 more; short protein forms S1093A, S516A, S603A, S897A, S1014A, S1044A, S1047A, S1050A.
Identifiers: ClinVar variation 2450005 (VCV002450005.4), dbSNP rs2151441205, ClinGen allele CA394286303.